The following is an entry in ClinVar:

NM_176869.3(PPA2):c.500C>T (p.Pro167Leu)

Gene: PPA2 (inorganic pyrophosphatase 2; minus strand). Cytogenetic location: 4q24.
Variant type: single nucleotide variant.
Coding change: c.500C>T on transcript NM_176869.3 (MANE Select); coding-DNA position 500, C replaced by T.
Protein change: p.Pro167Leu; replaces proline 167 with leucine.
Molecular consequence: missense variant. On other transcripts: intron variant (3).
Genome position (GRCh38, 1-based): chr4:105,437,978, G>A on the plus strand (C>T on the coding strand, the complement: PPA2 is on the minus strand). VCF-style: chr4-105437978-G-A. GRCh37 (hg19) VCF-style: chr4-106359135-G-A.
Other names: c.157+35916C>T (NM_176867.3); c.223-13656C>T (NM_176866.2); c.441+8405C>T (NM_006903.4); short protein forms P167L.
Identifiers: ClinVar variation 372227 (VCV000372227.3), dbSNP rs546693824, ClinGen allele CA3032513.
Genomic context (GRCh38, chr4:105,437,978, plus strand): 5'-ACGTTAGAATTAATACAGTCTATAAAACAAACCTTTGAGCCTATTTCGCAAACATCAATA[G>A]GATCATTATCTCCAAAGCAGTTCGTGCTCTTATCTTTTTCATGGGGATCTTCCCAAGTCT-3'
Protein context (NP_789845.1, residues 157-177): KSTNCFGDND[Pro167Leu]IDVCEIGSKI

ClinVar aggregate classification (germline): Likely pathogenic. Review status: criteria provided, multiple submitters, no conflicts (2 of 4 stars). 3 submissions from 3 submitters: Likely pathogenic (2). 1 of the submissions does not count toward it. Last evaluated 2025-08-13.

Conditions:
PPA2-related disorder. Also called: PPA2-related disorders; PPA2-related condition.
Sudden cardiac failure, infantile (SCFI). Identifiers: MedGen C4310664, MONDO:0014973, OMIM 617222.

Allele frequency attached by ClinVar (database versions not stated): gnomAD exomes below 0.00001 and 0.00002; gnomAD 0.00001; ExAC 0.00002; 1000 Genomes Project 30x 0.00016; 1000 Genomes Project 0.00020.
gnomAD v4.1: 7 of 1,608,738 alleles (0.00044%); highest among the groups gnomAD compares: South Asian, 0.0056%; no homozygotes.

Submissions (3):

PreventionGenetics, part of Exact Sciences
Classification: Likely pathogenic for PPA2-related condition. Last evaluated: 2025-08-13. Review status: criteria provided, single submitter. Criteria: ACMG Guidelines, 2015. Collection method: clinical testing. Allele origin: germline.
Comment: The PPA2 c.500C>T variant is predicted to result in the amino acid substitution p.Pro167Leu. This variant has been reported in the homozygous state in 7 individuals from 3 families to segregate with sudden cardiac failure (Kennedy et al. 2016. PubMed ID: 27523597; Guimier et al. 2021. PubMed ID: 34400813). Functional studies showed that this variant results in reduced enzyme activity (Kennedy et al. 2016. PubMed ID: 27523597). This variant is reported in 0.014% of alleles in individuals of South Asian descent in gnomAD. This variant is interpreted as likely pathogenic.

Neuberg Centre For Genomic Medicine, NCGM
Classification: Likely pathogenic for Sudden cardiac failure, infantile. Last evaluated: 2023-03-01. Review status: criteria provided, single submitter. Criteria: ACMG Guidelines, 2015. Collection method: clinical testing. Allele origin: germline. Inheritance: Autosomal recessive inheritance. Affected: yes.
Comment: The missense c.500C>T (p.Pro167Leu) variant in PPA2 gene has been reported in homozygous state in individuals affected with infantile sudden cardiac failure (Kennedy H, et. al., 2016). This variant is reported with the allele frequency 0.002% in the gnomAD and novel in 1000 genome database. It has been submitted to ClinVar database as Pathogenic The amino acid change p.Pro167Leu in PPA2 is predicted as conserved by GERP++ and PhyloP across 100 vertebrates. The amino acid Pro at position 167 is changed to a Leu changing protein sequence and it might alter its composition and physico-chemical properties. Additional functional studies are required to prove the pathogenicity of the variant. For these reasons, this variant has been classified as Likely Pathogenic.

OMIM
Classification: Pathogenic for SUDDEN CARDIAC FAILURE, INFANTILE. Last evaluated: 2016-11-23. Review status: no assertion criteria provided. Collection method: literature only. Allele origin: germline. Not counted in ClinVar's aggregate classification.

Literature cited by the submitters: PubMed 27523597 (cited by OMIM).